The following is an entry in ClinVar:

NM_016222.4(DDX41):c.1684G>A (p.Val562Met)

Gene: DDX41 (DEAD-box helicase 41; minus strand). Cytogenetic location: 5q35.3.
Variant type: single nucleotide variant.
Coding change: c.1684G>A on transcript NM_016222.4 (MANE Select); coding-DNA position 1684, G replaced by A.
Protein change: p.Val562Met; replaces valine 562 with methionine.
Molecular consequence: missense variant.
Genome position (GRCh38, 1-based): chr5:177,512,144, C>T on the plus strand (G>A on the coding strand, the complement: DDX41 is on the minus strand). VCF-style: chr5-177512144-C-T. GRCh37 (hg19) VCF-style: chr5-176939145-C-T.
Other names: c.1306G>A, p.Val436Met (NM_001321732.2, NM_001321830.2); c.1684G>A (NM_016222.3, NM_016222.2); short protein forms V562M, V436M.
Identifiers: ClinVar variation 1982762 (VCV001982762.6), dbSNP rs746326361, ClinGen allele CA3584649.

ClinVar aggregate classification (germline): Uncertain significance. Review status: criteria provided, multiple submitters, no conflicts (2 of 4 stars). 3 submissions from 3 submitters: Uncertain significance (3). Last evaluated 2026-07-23.

Conditions:
DDX41-related disorder. Also called: DDX41-related condition.
Inborn genetic diseases. Identifiers: MedGen C0950123, MeSH D030342.

Allele frequency attached by ClinVar (database versions not stated): gnomAD 0.00001; gnomAD exomes 0.00001; ExAC 0.00002; TOPMed 0.00002.
gnomAD v4.1: 20 of 1,613,406 alleles (0.0012%); highest among the groups gnomAD compares: African/African-American, 0.0027%; no homozygotes.

Submissions (3):

PreventionGenetics, part of Exact Sciences
Classification: Uncertain significance for DDX41-related condition. Last evaluated: 2026-07-23. Review status: criteria provided, single submitter. Criteria: ACMG Guidelines, 2015. Collection method: clinical testing. Allele origin: germline.
Comment: The DDX41 c.1684G>A variant is predicted to result in the amino acid substitution p.Val562Met. This variant was reported in an individual with myeloid malignancies (Maierhofer et al. 2023. PubMed ID: 37874914). It is reported in 0.0097% of alleles in individuals of Ashkenazi Jewish descent in gnomAD and is classified as uncertain in ClinVar (Variation ID: 1982762). At this time, the clinical significance of this variant is uncertain due to the absence of conclusive functional and genetic evidence.

Labcorp Genetics (formerly Invitae), Labcorp
Classification: Uncertain significance. Last evaluated: 2026-01-12. Review status: criteria provided, single submitter. Criteria: Invitae Variant Classification Sherloc (09022015). Collection method: clinical testing. Allele origin: germline.
Comment: This sequence change replaces valine, which is neutral and non-polar, with methionine, which is neutral and non-polar, at codon 562 of the DDX41 protein (p.Val562Met). This variant is present in population databases (rs746326361, gnomAD 0.01%). This variant has not been reported in the literature in individuals affected with DDX41-related conditions. ClinVar contains an entry for this variant (Variation ID: 1982762). An algorithm developed to predict the effect of missense changes on protein structure and function (PolyPhen-2) suggests that this variant is likely to be tolerated. In summary, the available evidence is currently insufficient to determine the role of this variant in disease. Therefore, it has been classified as a Variant of Uncertain Significance.

Ambry Genetics
Classification: Uncertain significance for Inborn genetic diseases. Last evaluated: 2024-12-04. Review status: criteria provided, single submitter. Criteria: Ambry Variant Classification Scheme 2023. Collection method: clinical testing. Allele origin: germline.
Comment: The p.V562M variant (also known as c.1684G>A), located in coding exon 16 of the DDX41 gene, results from a G to A substitution at nucleotide position 1684. The valine at codon 562 is replaced by methionine, an amino acid with highly similar properties. This alteration was identified in an individual diagnosed with acute myeloid leukemia (AML) (Maierhofer A et al. Blood Adv, 2023 Dec;7:7346-7357). This amino acid position is highly conserved in available vertebrate species. In addition, the in silico prediction for this alteration is inconclusive. Based on the available evidence, the clinical significance of this variant remains unclear.

Literature cited by the submitters: PubMed 37874914 (cited by Ambry Genetics).